The following is an entry in ClinVar:

NM_001367624.2(ZNF469):c.3153T>C (p.Ile1051=)

Genes: ZNF469 (zinc finger protein 469; plus strand), LOC130059718 (ATAC-STARR-seq lymphoblastoid silent region 7847; plus strand). Cytogenetic location: 16q24.2.
Variant type: single nucleotide variant.
Coding change: c.3153T>C on transcript NM_001367624.2 (MANE Select); coding-DNA position 3153, T replaced by C.
Protein change: p.Ile1051=; no amino-acid change (isoleucine 1051 retained).
Molecular consequence: synonymous variant.
Genome position (GRCh38, 1-based): chr16:88,430,623, T>C. VCF-style: chr16-88430623-T-C. GRCh37 (hg19) VCF-style: chr16-88497031-T-C.
Other names: NM_001127464.1:c.3153T>C; p.Ile1051=.
Identifiers: ClinVar variation 193173 (VCV000193173.25), dbSNP rs9924504, ClinGen allele CA200376.

ClinVar aggregate classification (germline): Benign/Likely benign. Review status: criteria provided, multiple submitters, no conflicts (2 of 4 stars). 12 submissions from 12 submitters: Benign (7); Likely benign (2). 3 of the submissions do not count toward it. Last evaluated 2026-02-04.

Conditions:
Cardiovascular phenotype. Identifiers: MedGen CN230736.
Brittle cornea syndrome 1 (BCS1). Also called: Corneal fragility keratoglobus, blue sclerae AND joint hypermobility; CORNEAL FRAGILITY, KERATOGLOBUS, BLUE SCLERAE, JOINT HYPEREXTENSIBILITY; EDS6B; FRAGILITAS OCULI WITH JOINT HYPEREXTENSIBILITY; DYSGENESIS MESODERMALIS CORNEAE ET SCLERAE. Identifiers: Orphanet 90354, MedGen C0268344, MONDO:0024543, OMIM 229200.

Allele frequency attached by ClinVar (database versions not stated): gnomAD exomes 0.99996; 1000 Genomes Project 1.00000; ExAC 1.00000; 1000 Genomes Project 30x 0.99938; TOPMed 0.99967.
gnomAD v4.1: 1,504,700 of 1,504,806 alleles (100%); highest among the groups gnomAD compares: Middle Eastern, 100%; 752,297 homozygotes.

Submissions (12):

Labcorp Genetics (formerly Invitae), Labcorp
Classification: Benign. Last evaluated: 2026-02-04. Review status: criteria provided, single submitter. Criteria: Invitae Variant Classification Sherloc (09022015). Collection method: clinical testing. Allele origin: germline.

Women's Health and Genetics/Laboratory Corporation of America, LabCorp
Classification: Benign. Last evaluated: 2025-10-13. Review status: criteria provided, single submitter. Criteria: LabCorp Variant Classification Summary - May 2015. Collection method: clinical testing. Allele origin: germline.

Mayo Clinic Laboratories, Mayo Clinic
Classification: Likely benign. Last evaluated: 2025-01-09. Review status: criteria provided, single submitter. Criteria: ACMG Guidelines, 2015. Collection method: clinical testing. Allele origin: germline. Observed: 3,092 variant alleles.
Comment: BP4, BP7

Blueprint Genetics
Classification: Likely benign. Last evaluated: 2024-11-27. Review status: criteria provided, single submitter. Criteria: ACMG Guidelines, 2015. Collection method: clinical testing. Allele origin: germline.

Genome-Nilou Lab
Classification: Benign for Brittle cornea syndrome 1. Last evaluated: 2021-12-05. Review status: criteria provided, single submitter. Criteria: ACMG Guidelines, 2015. Collection method: clinical testing. Allele origin: germline. Affected: no.

Ambry Genetics
Classification: Benign for Cardiovascular phenotype. Last evaluated: 2018-12-04. Review status: criteria provided, single submitter. Criteria: Ambry Variant Classification Scheme 2023. Collection method: clinical testing. Allele origin: germline.

GeneDx
Classification: Benign. Last evaluated: 2016-09-29. Review status: criteria provided, single submitter. Criteria: GeneDx Variant Classification (06012015). Collection method: clinical testing. Allele origin: germline. Affected: yes.
Comment: This variant is considered likely benign or benign based on one or more of the following criteria: it is a conservative change, it occurs at a poorly conserved position in the protein, it is predicted to be benign by multiple in silico algorithms, and/or has population frequency not consistent with disease.

Eurofins Ntd Llc (ga)
Classification: Benign. Last evaluated: 2016-02-05. Review status: criteria provided, single submitter. Criteria: EGL Classification Definitions 2015. Collection method: clinical testing. Allele origin: germline. Observed: 42 variant alleles, 42 homozygotes.

Breakthrough Genomics
Classification: Benign. Review status: criteria provided, single submitter. Criteria: ACMG Guidelines, 2015. Collection method: not provided. Allele origin: germline. Inheritance: Autosomal recessive inheritance. Affected: yes.

Genome Diagnostics Laboratory, Amsterdam University Medical Center
Classification: Benign for Brittle cornea syndrome 1. Last evaluated: 2016-01-15. Review status: no assertion criteria provided. Criteria: ACGS Guidelines, 2013. Collection method: clinical testing. Allele origin: germline. Affected: yes. Study: VKGL Data-share Consensus. Not counted in ClinVar's aggregate classification.

Diagnostic Laboratory, Department of Genetics, University Medical Center Groningen
Classification: Benign for Brittle cornea syndrome 1. Review status: no assertion criteria provided. Collection method: clinical testing. Allele origin: germline. Affected: yes. Study: VKGL Data-share Consensus. Not counted in ClinVar's aggregate classification.

Joint Genome Diagnostic Labs from Nijmegen and Maastricht, Radboudumc and MUMC+
Classification: Benign. Review status: no assertion criteria provided. Collection method: clinical testing. Allele origin: germline. Affected: yes. Study: VKGL Data-share Consensus. Not counted in ClinVar's aggregate classification.